The following is an entry in ClinVar:

NM_001130438.3(SPTAN1):c.3719+5G>C

Gene: SPTAN1 (spectrin alpha, non-erythrocytic 1; plus strand). Cytogenetic location: 9q34.11.
Variant type: single nucleotide variant.
Coding change: c.3719+5G>C on transcript NM_001130438.3 (MANE Select); 5 bases into the intron after coding-DNA position 3719, G replaced by C.
Molecular consequence: intron variant.
Genome position (GRCh38, 1-based): chr9:128,604,422, G>C. VCF-style: chr9-128604422-G-C. GRCh37 (hg19) VCF-style: chr9-131366701-G-C.
Other names: c.3755+5G>C (NM_001375318.1, NM_001375312.2); c.3719+5G>C (NM_001375311.2, NM_001375310.1, NM_001363759.2 and 2 more transcripts); c.3659+5G>C (NM_001375314.2, NM_001363765.2, NM_001195532.2).
Identifiers: ClinVar variation 2790766 (VCV002790766.3), dbSNP rs761359644, ClinGen allele CA5265019.

ClinVar aggregate classification (germline): Uncertain significance (1 of 4 stars; one submission).

Conditions:
Early-infantile DEE. Also called: Early infantile epileptic encephalopathy; Early infantile epileptic encephalopathy with suppression bursts; Ohtahara syndrome. Identifiers: Orphanet 1934, MedGen C0393706, MONDO:0800491.

Allele frequency attached by ClinVar (database versions not stated): ExAC 0.00002.
gnomAD v4.1: 3 of 1,612,542 alleles (0.00019%); highest among the groups gnomAD compares: Non-Finnish European, 0.00017%; no homozygotes.

Submission:

Labcorp Genetics (formerly Invitae), Labcorp
Classification: Uncertain significance for Early-infantile DEE. Last evaluated: 2023-08-14. Review status: criteria provided, single submitter. Criteria: Invitae Variant Classification Sherloc (09022015). Collection method: clinical testing. Allele origin: germline.
Comment: This sequence change falls in intron 29 of the SPTAN1 gene. It does not directly change the encoded amino acid sequence of the SPTAN1 protein. It affects a nucleotide within the consensus splice site. This variant is present in population databases (rs761359644, gnomAD 0.002%). This variant has not been reported in the literature in individuals affected with SPTAN1-related conditions. Variants that disrupt the consensus splice site are a relatively common cause of aberrant splicing (PMID: 17576681, 9536098). Algorithms developed to predict the effect of sequence changes on RNA splicing suggest that this variant may create or strengthen a splice site. In summary, the available evidence is currently insufficient to determine the role of this variant in disease. Therefore, it has been classified as a Variant of Uncertain Significance.

Literature cited by the submitters: PubMed 17576681; PubMed 9536098.